The following is an entry in ClinVar:

NM_017777.4(MKS1):c.263T>C (p.Phe88Ser)

Gene: MKS1 (MKS transition zone complex subunit 1; minus strand). Cytogenetic location: 17q22.
Variant type: single nucleotide variant.
Coding change: c.263T>C on transcript NM_017777.4 (MANE Select); coding-DNA position 263, T replaced by C.
Protein change: p.Phe88Ser; replaces phenylalanine 88 with serine.
Molecular consequence: missense variant. On other transcripts: 5 prime UTR variant (1).
Genome position (GRCh38, 1-based): chr17:58,216,242, A>G on the plus strand (T>C on the coding strand, the complement: MKS1 is on the minus strand). VCF-style: chr17-58216242-A-G. GRCh37 (hg19) VCF-style: chr17-56293603-A-G.
Other names: c.-249T>C (NM_001321268.2); c.263T>C, p.Phe88Ser (NM_001321269.2, NM_001330397.2); short protein forms F88S.
Identifiers: ClinVar variation 324167 (VCV000324167.7), dbSNP rs886053170, ClinGen allele CA10650554.

ClinVar aggregate classification (germline): Uncertain significance. Review status: criteria provided, multiple submitters, no conflicts (2 of 4 stars). 3 submissions from 2 submitters: Uncertain significance (3). Last evaluated 2022-05-09.

Conditions:
Meckel-Gruber syndrome. Also called: Dysencephalia splachnocystica; DYSENCEPHALIA SPLANCHNOCYSTICA; GRUBER SYNDROME. Identifiers: Orphanet 564, MedGen C0265215, MONDO:0018921.
Joubert syndrome. Also called: Familial aplasia of the vermis; CEREBELLOPARENCHYMAL DISORDER IV; JOUBERT-BOLTSHAUSER SYNDROME. Identifiers: Orphanet 475, MedGen C5979921, MONDO:0018772.
Meckel syndrome, type 1 (MKS1). Also called: MECKEL-GRUBER SYNDROME, TYPE 1. Identifiers: Orphanet 564, MedGen C3714506, MONDO:0009571, OMIM 249000.
Bardet-Biedl syndrome 13 (BBS13). Identifiers: Orphanet 110, MedGen C2673873, MONDO:0014441, OMIM 615990.

gnomAD v4.1: 1 of 1,612,338 alleles (0.000062%); highest among the groups gnomAD compares: Non-Finnish European, 0.000085%; no homozygotes.

Submissions (3):

Labcorp Genetics (formerly Invitae), Labcorp
Classification: Uncertain significance for Joubert syndrome; Meckel-Gruber syndrome. Last evaluated: 2022-05-09. Review status: criteria provided, single submitter. Criteria: Invitae Variant Classification Sherloc (09022015). Collection method: clinical testing. Allele origin: germline.
Comment: This sequence change replaces phenylalanine, which is neutral and non-polar, with serine, which is neutral and polar, at codon 88 of the MKS1 protein (p.Phe88Ser). This variant is not present in population databases (gnomAD no frequency). This variant has not been reported in the literature in individuals affected with MKS1-related conditions. ClinVar contains an entry for this variant (Variation ID: 324167). Algorithms developed to predict the effect of missense changes on protein structure and function are either unavailable or do not agree on the potential impact of this missense change (SIFT: "Deleterious"; PolyPhen-2: "Benign"; Align-GVGD: "Class C0"). In summary, the available evidence is currently insufficient to determine the role of this variant in disease. Therefore, it has been classified as a Variant of Uncertain Significance.

Illumina Laboratory Services, Illumina
Classification: Uncertain significance for Meckel syndrome, type 1. Last evaluated: 2018-01-13. Review status: criteria provided, single submitter. Criteria: ICSL Variant Classification Criteria 13 December 2019. Collection method: clinical testing. Allele origin: germline.

Illumina Laboratory Services, Illumina
Classification: Uncertain significance for Bardet-Biedl syndrome 13. Last evaluated: 2018-01-13. Review status: criteria provided, single submitter. Criteria: ICSL Variant Classification Criteria 13 December 2019. Collection method: clinical testing. Allele origin: germline.